The following is an entry in ClinVar:

NM_017951.5(SMPD4):c.1865C>T (p.Ala622Val)

Gene: SMPD4 (sphingomyelin phosphodiesterase 4; minus strand). Cytogenetic location: 2q21.1.
Variant type: single nucleotide variant.
Coding change: c.1865C>T on transcript NM_017951.5 (MANE Select); coding-DNA position 1865, C replaced by T.
Protein change: p.Ala622Val; replaces alanine 622 with valine.
Molecular consequence: missense variant. On other transcripts: non-coding transcript variant (2).
Genome position (GRCh38, 1-based): chr2:130,153,730, G>A on the plus strand (C>T on the coding strand, the complement: SMPD4 is on the minus strand). VCF-style: chr2-130153730-G-A. GRCh37 (hg19) VCF-style: chr2-130911303-G-A.
Other names: c.1676C>T, p.Ala559Val (NM_001171083.2); c.1895C>T, p.Ala632Val (NM_017751.4); short protein forms A632V, A661V, A559V, A622V.
Identifiers: ClinVar variation 870336 (VCV000870336.1), dbSNP rs1461194496, ClinGen allele CA348472247.

ClinVar aggregate classification (germline): Uncertain significance (1 of 4 stars; one submission).

Conditions:
Neurodevelopmental disorder with microcephaly, arthrogryposis, and structural brain anomalies. Identifiers: Orphanet 664923, MedGen C5231431, MONDO:0032838, OMIM 618622.

Allele frequency attached by ClinVar (database versions not stated): gnomAD exomes below 0.00001.
gnomAD v4.1: 2 of 1,613,912 alleles (0.00012%); highest among the groups gnomAD compares: Non-Finnish European, 0.00017%; no homozygotes.

Submission:

SIB Swiss Institute of Bioinformatics
Classification: Uncertain significance for Neurodevelopmental disorder with microcephaly, arthrogryposis, and structural brain anomalies. Last evaluated: 2020-02-14. Review status: criteria provided, single submitter. Criteria: ACMG Guidelines, 2015. Collection method: curation. Allele origin: unknown.
Comment: This variant is interpreted as a variant of uncertain significance for Neurodevelopmental disorder with microcephaly, arthrogryposis, and structural brain anomalies, autosomal recessive. The following ACMG Tag(s) were applied: PM2, PP3, PM3.

Literature cited by the submitters: PubMed 31495489.